The following is an entry in ClinVar:

NM_000455.5(STK11):c.49C>T (p.Leu17=)

Gene: STK11 (serine/threonine kinase 11; plus strand). Cytogenetic location: 19p13.3.
Variant type: single nucleotide variant.
Coding change: c.49C>T on transcript NM_000455.5 (MANE Select); coding-DNA position 49, C replaced by T.
Protein change: p.Leu17=; no amino-acid change (leucine 17 retained).
Molecular consequence: synonymous variant. On other transcripts: non-coding transcript variant (1).
Genome position (GRCh38, 1-based): chr19:1,206,962, C>T. VCF-style: chr19-1206962-C-T. GRCh37 (hg19) VCF-style: chr19-1206961-C-T.
Other names: c.49C>T, p.Leu17= (NM_001407255.1).
Identifiers: ClinVar variation 1744666 (VCV001744666.3), dbSNP rs780581573, ClinGen allele CA504706082.

ClinVar aggregate classification (germline): Benign/Likely benign. Review status: criteria provided, multiple submitters, no conflicts (2 of 4 stars). 2 submissions from 2 submitters: Benign (1); Likely benign (1). Last evaluated 2025-03-24.

Conditions:
Peutz-Jeghers syndrome (PJS). Also called: POLYPOSIS, HAMARTOMATOUS INTESTINAL; POLYPS-AND-SPOTS SYNDROME; Peutz-Jeghers polyposis; Periorificial lentiginosis syndrome. Identifiers: Orphanet 2869, MedGen C0031269, MeSH D010580, MONDO:0008280, OMIM 175200.
Hereditary cancer-predisposing syndrome. Also called: Neoplastic Syndromes, Hereditary; Tumor predisposition; Hereditary Cancer Syndrome; Hereditary neoplastic syndrome. Identifiers: Orphanet 140162, MedGen C0027672, MeSH D009386, MONDO:0015356.

Submissions (2):

Myriad Genetics, Inc.
Classification: Benign for Peutz-Jeghers syndrome. Last evaluated: 2025-03-24. Review status: criteria provided, single submitter. Criteria: Myriad Autosomal Dominant, Autosomal Recessive and X-Linked Classification Criteria (2023). Collection method: clinical testing. Allele origin: unknown.
Comment: This variant is considered benign. This variant is a silent/synonymous amino acid change and it is not expected to impact splicing.

Ambry Genetics
Classification: Likely benign for Hereditary cancer-predisposing syndrome. Last evaluated: 2019-12-30. Review status: criteria provided, single submitter. Criteria: Ambry Variant Classification Scheme 2023. Collection method: clinical testing. Allele origin: germline.